The following is an entry in ClinVar:

NM_153006.3(NAGS):c.1219T>C (p.Tyr407His)

Gene: NAGS (N-acetylglutamate synthase; plus strand). Cytogenetic location: 17q21.31.
Variant type: single nucleotide variant.
Coding change: c.1219T>C on transcript NM_153006.3 (MANE Select); coding-DNA position 1219, T replaced by C.
Protein change: p.Tyr407His; replaces tyrosine 407 with histidine.
Molecular consequence: missense variant.
Genome position (GRCh38, 1-based): chr17:44,007,445, T>C. VCF-style: chr17-44007445-T-C. GRCh37 (hg19) VCF-style: chr17-42084813-T-C.
Other names: short protein forms Y407H.
Identifiers: ClinVar variation 567579 (VCV000567579.6), dbSNP rs1483447934, ClinGen allele CA399727086.

ClinVar aggregate classification (germline): Uncertain significance (1 of 4 stars; one submission).

Conditions:
Hyperammonemia, type III (NAGSD). Also called: Hyperammonemia due to N-acetylglutamate synthase deficiency. Identifiers: Orphanet 927, MedGen C0268543, MONDO:0009377, OMIM 237310.

Allele frequency attached by ClinVar (database versions not stated): TOPMed 0.00001.
gnomAD v4.1: 1 of 1,613,894 alleles (0.000062%); highest among the groups gnomAD compares: Non-Finnish European, 0.000085%; no homozygotes.

Submission:

Labcorp Genetics (formerly Invitae), Labcorp
Classification: Uncertain significance for Hyperammonemia, type III. Last evaluated: 2021-08-27. Review status: criteria provided, single submitter. Criteria: Invitae Variant Classification Sherloc (09022015). Collection method: clinical testing. Allele origin: germline.
Comment: This sequence change replaces tyrosine with histidine at codon 407 of the NAGS protein (p.Tyr407His). The tyrosine residue is highly conserved and there is a moderate physicochemical difference between tyrosine and histidine. This variant is not present in population databases (ExAC no frequency). This variant has not been reported in the literature in individuals affected with NAGS-related conditions. Algorithms developed to predict the effect of missense changes on protein structure and function (SIFT, PolyPhen-2, Align-GVGD) all suggest that this variant is likely to be disruptive. In summary, the available evidence is currently insufficient to determine the role of this variant in disease. Therefore, it has been classified as a Variant of Uncertain Significance.